The following is an entry in ClinVar:

ClinVar aggregate classification (germline): Uncertain significance (1 of 4 stars; one submission).

Allele frequency attached by ClinVar (database versions not stated): gnomAD exomes below 0.00001; gnomAD 0.00001.
gnomAD v4.1: 6 of 1,567,530 alleles (0.00038%); highest among the groups gnomAD compares: South Asian, 0.0048%; no homozygotes.

Submission:

Labcorp Genetics (formerly Invitae), Labcorp
Classification: Uncertain significance. Last evaluated: 2022-10-11. Review status: criteria provided, single submitter. Criteria: Invitae Variant Classification Sherloc (09022015). Collection method: clinical testing. Allele origin: germline.
Comment: This sequence change replaces serine, which is neutral and polar, with glycine, which is neutral and non-polar, at codon 539 of the ZCCHC8 protein (p.Ser539Gly). This variant is present in population databases (no rsID available, gnomAD 0.005%). This variant has not been reported in the literature in individuals affected with ZCCHC8-related conditions. Advanced modeling of protein sequence and biophysical properties (such as structural, functional, and spatial information, amino acid conservation, physicochemical variation, residue mobility, and thermodynamic stability) performed at Invitae indicates that this missense variant is expected to disrupt ZCCHC8 protein function. In summary, the available evidence is currently insufficient to determine the role of this variant in disease. Therefore, it has been classified as a Variant of Uncertain Significance.

NM_017612.5(ZCCHC8):c.1615A>G (p.Ser539Gly)

Gene: ZCCHC8 (zinc finger CCHC-type containing 8; minus strand). Cytogenetic location: 12q24.31.
Variant type: single nucleotide variant.
Coding change: c.1615A>G on transcript NM_017612.5 (MANE Select); coding-DNA position 1615, A replaced by G.
Protein change: p.Ser539Gly; replaces serine 539 with glycine.
Molecular consequence: missense variant.
Genome position (GRCh38, 1-based): chr12:122,474,006, T>C on the plus strand (A>G on the coding strand, the complement: ZCCHC8 is on the minus strand). VCF-style: chr12-122474006-T-C. GRCh37 (hg19) VCF-style: chr12-122958553-T-C.
Other names: c.1384A>G, p.Ser462Gly (NM_001350935.2); c.1318A>G, p.Ser440Gly (NM_001350936.2); c.901A>G, p.Ser301Gly (NM_001350937.2, NM_001350938.2); short protein forms S462G, S301G, S440G, S539G.
Identifiers: ClinVar variation 1924453 (VCV001924453.5), dbSNP rs1452273748, ClinGen allele CA387048160.